The following is an entry in ClinVar:

NM_001100913.3(PACS2):c.2482+5G>A

Gene: PACS2 (phosphofurin acidic cluster sorting protein 2; plus strand). Cytogenetic location: 14q32.33.
Variant type: single nucleotide variant.
Coding change: c.2482+5G>A on transcript NM_001100913.3 (MANE Select); 5 bases into the intron after coding-DNA position 2482, G replaced by A.
Molecular consequence: intron variant.
Genome position (GRCh38, 1-based): chr14:105,392,850, G>A. VCF-style: chr14-105392850-G-A. GRCh37 (hg19) VCF-style: chr14-105859187-G-A.
Other names: c.2212+5G>A (NM_001243127.3); c.2437+5G>A (NM_015197.4).
Identifiers: ClinVar variation 1914722 (VCV001914722.5), dbSNP rs2544900713, ClinGen allele CA2575645016.

ClinVar aggregate classification (germline): Uncertain significance (1 of 4 stars; one submission).

gnomAD v4.1: 3 of 1,591,694 alleles (0.00019%); highest among the groups gnomAD compares: Non-Finnish European, 0.00026%; no homozygotes.

Submission:

Labcorp Genetics (formerly Invitae), Labcorp
Classification: Uncertain significance. Last evaluated: 2022-06-22. Review status: criteria provided, single submitter. Criteria: Invitae Variant Classification Sherloc (09022015). Collection method: clinical testing. Allele origin: germline.
Comment: This variant is not present in population databases (gnomAD no frequency). In summary, the available evidence is currently insufficient to determine the role of this variant in disease. Therefore, it has been classified as a Variant of Uncertain Significance. Variants that disrupt the consensus splice site are a relatively common cause of aberrant splicing (PMID: 17576681, 9536098). Algorithms developed to predict the effect of sequence changes on RNA splicing suggest that this variant may disrupt the consensus splice site. This variant has not been reported in the literature in individuals affected with PACS2-related conditions. This sequence change falls in intron 23 of the PACS2 gene. It does not directly change the encoded amino acid sequence of the PACS2 protein. It affects a nucleotide within the consensus splice site.

Literature cited by the submitters: PubMed 17576681; PubMed 9536098.